The following is an entry in ClinVar:

NM_001035.3(RYR2):c.848+1G>C

Gene: RYR2 (ryanodine receptor 2; plus strand). Cytogenetic location: 1q43.
Variant type: single nucleotide variant.
Coding change: c.848+1G>C on transcript NM_001035.3 (MANE Select); the canonical splice donor site of the intron after coding-DNA position 848, G replaced by C.
Molecular consequence: splice donor variant.
Genome position (GRCh38, 1-based): chr1:237,417,124, G>C. VCF-style: chr1-237417124-G-C. GRCh37 (hg19) VCF-style: chr1-237580424-G-C.
Identifiers: ClinVar variation 925998 (VCV000925998.17), dbSNP rs772984053, ClinGen allele CA345383907.

ClinVar aggregate classification (germline): Uncertain significance. Review status: criteria provided, multiple submitters, no conflicts (2 of 4 stars). 5 submissions from 5 submitters: Uncertain significance (5). Last evaluated 2025-03-12.

Conditions:
Catecholaminergic polymorphic ventricular tachycardia 1. Also called: RYR2-Related Catecholaminergic Polymorphic Ventricular Tachycardia; VENTRICULAR TACHYCARDIA, STRESS-INDUCED POLYMORPHIC 1; VENTRICULAR TACHYCARDIA, CATECHOLAMINERGIC POLYMORPHIC, 1, WITH OR WITHOUT ATRIAL DYSFUNCTION AND/OR DILATED CARDIOMYOPATHY. Identifiers: Orphanet 3286, MedGen C1631597, MONDO:0011484, OMIM 604772.
Catecholaminergic polymorphic ventricular tachycardia (CVPT). Also called: Catecholamine-induced polymorphic ventricular tachycardia. Identifiers: Orphanet 3286, MedGen C5574922, MONDO:0017990.
Cardiomyopathy (CMYO). Also called: Cardiomyopathies. Identifiers: Orphanet 167848, MedGen C0878544, MONDO:0004994, HP:0001638. Inheritance: Various modes of inheritance.

Submissions (5):

Dasa
Classification: Uncertain significance. Last evaluated: 2025-03-12. Review status: criteria provided, single submitter. Criteria: DASA Assertion Criteria. Collection method: clinical testing. Allele origin: germline.
Comment: NM_001035.3(RYR2):c.848+1G>C affects a canonical splice site and is predicted to disrupt normal RNA splicing. This variant has been reported in individuals with RYR2-related disorders (PMID: 37821546). Also, this variant is absent from population databases. The currently available literature and clinical evidence are not sufficient to establish a definitive association between this variant and the reported condition. Therefore, this variant is classified as a variant of uncertain significance.

Blueprint Genetics
Classification: Uncertain significance. Last evaluated: 2024-10-17. Review status: criteria provided, single submitter. Criteria: ACMG Guidelines, 2015. Collection method: clinical testing. Allele origin: germline.

All of Us Research Program, National Institutes of Health
Classification: Uncertain significance for Catecholaminergic polymorphic ventricular tachycardia. Last evaluated: 2024-05-30. Review status: criteria provided, single submitter. Criteria: ACMG Guidelines, 2015. Collection method: clinical testing. Allele origin: germline. Inheritance: Autosomal dominant inheritance. Observed: 1 variant allele, 1 heterozygote.
Comment: This variant causes a G>C nucleotide substitution at the +1 position of intron 11 of the RYR2 gene. Splice site prediction tools predict that this variant may have a significant impact on RNA splicing. To our knowledge, RNA studies have not been reported for this variant. This variant has not been reported in individuals affected with RYR2-related disorders in the literature. This variant has not been identified in the general population by the Genome Aggregation Database (gnomAD). The available evidence is insufficient to determine the role of this variant in disease conclusively. Therefore, this variant is classified as a Variant of Uncertain Significance.

This study involves interpretation of variants in research participants for the purpose of population health screening. Participant phenotype was not available at the time of variant classification. Additional details can be found in publication PMID: 35346344, PMCID: PMC8962531

Color Diagnostics, LLC DBA Color Health
Classification: Uncertain significance for Cardiomyopathy. Last evaluated: 2024-05-16. Review status: criteria provided, single submitter. Criteria: ACMG Guidelines, 2015. Collection method: clinical testing. Allele origin: germline.
Comment: This variant causes a G>C nucleotide substitution at the +1 position of intron 11 of the RYR2 gene. Splice site prediction tools predict that this variant may have a significant impact on RNA splicing. To our knowledge, RNA studies have not been reported for this variant. This variant has not been reported in individuals affected with RYR2-related disorders in the literature. This variant has not been identified in the general population by the Genome Aggregation Database (gnomAD). The available evidence is insufficient to determine the role of this variant in disease conclusively. Therefore, this variant is classified as a Variant of Uncertain Significance.

Labcorp Genetics (formerly Invitae), Labcorp
Classification: Uncertain significance for Catecholaminergic polymorphic ventricular tachycardia 1. Last evaluated: 2023-02-04. Review status: criteria provided, single submitter. Criteria: Invitae Variant Classification Sherloc (09022015). Collection method: clinical testing. Allele origin: germline.
Comment: In summary, the available evidence is currently insufficient to determine the role of this variant in disease. Therefore, it has been classified as a Variant of Uncertain Significance. Algorithms developed to predict the effect of sequence changes on RNA splicing suggest that this variant may disrupt the consensus splice site. ClinVar contains an entry for this variant (Variation ID: 925998). This variant has not been reported in the literature in individuals affected with RYR2-related conditions. This variant is not present in population databases (gnomAD no frequency). This sequence change affects a donor splice site in intron 11 of the RYR2 gene. It is expected to disrupt RNA splicing. Variants that disrupt the donor or acceptor splice site typically lead to a loss of protein function (PMID: 16199547), however the current clinical and genetic evidence is not sufficient to establish whether loss-of-function variants in RYR2 cause disease.

Literature cited by the submitters: PubMed 37821546 (cited by Dasa); PubMed 16199547 (cited by Labcorp Genetics (formerly Invitae), Labcorp).